The following is an entry in ClinVar:

NM_004370.6(COL12A1):c.5266C>T (p.Pro1756Ser)

Gene: COL12A1 (collagen type XII alpha 1 chain; minus strand). Cytogenetic location: 6q13.
Variant type: single nucleotide variant.
Coding change: c.5266C>T on transcript NM_004370.6 (MANE Select); coding-DNA position 5266, C replaced by T.
Protein change: p.Pro1756Ser; replaces proline 1756 with serine.
Molecular consequence: missense variant.
Genome position (GRCh38, 1-based): chr6:75,137,565, G>A on the plus strand (C>T on the coding strand, the complement: COL12A1 is on the minus strand). VCF-style: chr6-75137565-G-A. GRCh37 (hg19) VCF-style: chr6-75847281-G-A.
Other names: c.4993C>T, p.Pro1665Ser (NM_001424115.1); c.1774C>T, p.Pro592Ser (NM_001424116.1, NM_080645.3); c.5266C>T, p.Pro1756Ser (NM_001424113.1); c.5245C>T, p.Pro1749Ser (NM_001424114.1); short protein forms P1665S, P1749S, P1756S, P592S.
Identifiers: ClinVar variation 2635490 (VCV002635490.1), dbSNP rs1766686755, ClinGen allele CA364737920.
Genomic context (GRCh38, chr6:75,137,565, plus strand): 5'-CAGGATCCCACTTAACAGTCAGGCTGTTAGATGTTGCATTGTACACTTGAAGGTTTCGTG[G>A]GCCACTTTTGGGAGCTGAAAGAAGATTGTTGAAAAACTGAGTAAGCAGACAGAACAATGC-3'
Protein context (NP_004361.3, residues 1746-1766): ILTTQAPKSG[Pro1756Ser]RNLQVYNATS

ClinVar aggregate classification (germline): Uncertain significance (1 of 4 stars; one submission).

Conditions:
COL12A1-related disorder. Also called: COL12A1-related condition.

Allele frequency attached by ClinVar (database versions not stated): gnomAD exomes below 0.00001.
gnomAD v4.1: 1 of 1,613,482 alleles (0.000062%); highest among the groups gnomAD compares: East Asian, 0.0022%; no homozygotes.

Submission:

PreventionGenetics, part of Exact Sciences
Classification: Uncertain significance for COL12A1-related condition. Last evaluated: 2022-10-24. Review status: criteria provided, single submitter. Criteria: ACMG Guidelines, 2015. Collection method: clinical testing. Allele origin: germline.
Comment: The COL12A1 c.5266C>T variant is predicted to result in the amino acid substitution p.Pro1756Ser. To our knowledge, this variant has not been reported in the literature or in a large population database, indicating this variant is rare. At this time, the clinical significance of this variant is uncertain due to the absence of conclusive functional and genetic evidence.